The following is an entry in ClinVar:

NM_001267550.2(TTN):c.94652T>C (p.Val31551Ala)

Genes: TTN (titin; minus strand), TTN-AS1 (TTN antisense RNA 1; plus strand). Cytogenetic location: 2q31.2.
Variant type: single nucleotide variant.
Coding change: c.94652T>C on transcript NM_001267550.2 (MANE Select); coding-DNA position 94652, T replaced by C.
Protein change: p.Val31551Ala; replaces valine 31551 with alanine.
Molecular consequence: missense variant.
Genome position (GRCh38, 1-based): chr2:178,546,776, A>G on the plus strand (T>C on the coding strand, the complement: TTN is on the minus strand). VCF-style: chr2-178546776-A-G. GRCh37 (hg19) VCF-style: chr2-179411503-A-G.
Other names: c.89729T>C, p.Val29910Ala (NM_001256850.1); c.67457T>C, p.Val22486Ala (NM_003319.4); c.86948T>C, p.Val28983Ala (NM_133378.4); c.67832T>C, p.Val22611Ala (NM_133432.3); c.68033T>C, p.Val22678Ala (NM_133437.4); short protein forms V28983A, V31551A, V22486A, V22611A, V22678A, V29910A.
Identifiers: ClinVar variation 285409 (VCV000285409.15), dbSNP rs369870689, ClinGen allele CA1987085.

ClinVar aggregate classification (germline): Uncertain significance. Review status: criteria provided, multiple submitters, no conflicts (2 of 4 stars). 9 submissions from 5 submitters: Uncertain significance (9). Last evaluated 2024-12-03.

Conditions:
Tibial muscular dystrophy (TMD). Also called: Tibial muscular dystrophy, tardive; UDD MYOPATHY; Udd Distal Myopathy – Tibial Muscular Dystrophy. Identifiers: Orphanet 609, MedGen C1838244, MONDO:0010870, OMIM 600334.
Hypertrophic cardiomyopathy 9. Also called: Familial hypertrophic cardiomyopathy 9. Identifiers: MedGen C1861065, MONDO:0013412, OMIM 613765.
Myopathy, myofibrillar, 9, with early respiratory failure (MFM9). Also called: Hereditary myopathy with early respiratory failure; EDSTROM MYOPATHY; MYOPATHY, PROXIMAL, WITH EARLY RESPIRATORY MUSCLE INVOLVEMENT; Myopathy, distal, with early respiratory failure, autosomal dominant. Identifiers: Orphanet 178464, Orphanet 34521, MedGen C1863599, MONDO:0011362, OMIM 603689.
Autosomal recessive limb-girdle muscular dystrophy type 2J (LGMDR10). Also called: Limb-girdle muscular dystrophy, type 2J; MUSCULAR DYSTROPHY, LIMB-GIRDLE, AUTOSOMAL RECESSIVE 10. Identifiers: Orphanet 140922, MedGen C1837342, MONDO:0012127, OMIM 608807.
Early-onset myopathy with fatal cardiomyopathy (CMYO5). Also called: Salih Myopathy; CONGENITAL MYOPATHY 5 WITH CARDIOMYOPATHY. Identifiers: Orphanet 289377, MedGen C2673677, MONDO:0012714, OMIM 611705. Disease mechanism: loss of function.
Dilated cardiomyopathy 1G (CMD1G). Identifiers: Orphanet 154, MedGen C1858763, MONDO:0011400, OMIM 604145.

Allele frequency attached by ClinVar (database versions not stated): gnomAD 0.00001; TOPMed 0.00002; ESP Exome Variant Server 0.00008.
gnomAD v4.1: 19 of 1,613,562 alleles (0.0012%); highest among the groups gnomAD compares: South Asian, 0.0088%; no homozygotes.

Submissions (9):

Revvity Omics, Revvity
Classification: Uncertain significance. Last evaluated: 2024-12-03. Review status: criteria provided, single submitter. Criteria: ACMG Guidelines, 2015. Collection method: clinical testing. Allele origin: germline.

Laboratory for Molecular Medicine, Mass General Brigham Personalized Medicine
Classification: Uncertain significance. Last evaluated: 2019-05-02. Review status: criteria provided, single submitter. Criteria: LMM Criteria. Collection method: clinical testing. Allele origin: germline. Observed: 1 variant allele.
Comment: The p.Val28983Ala variant in TTN has not been previously reported in individuals with cardiomyopathy but has been identified in 4/248018 chromosomes by gnomAD. This variant has also been reported in ClinVar (Variation ID 285409). Computational prediction tools and conservation analysis suggest that this variant may not impact the protein, though this information is not predictive enough to rule out pathogenicity. In summary, the clinical significance of this variant is uncertain. ACMG/AMP Criteria applied: BP4.

Fulgent Genetics
Classification: Uncertain significance for Tibial muscular dystrophy; Myopathy, myofibrillar, 9, with early respiratory failure; Dilated cardiomyopathy 1G; Autosomal recessive limb-girdle muscular dystrophy type 2J; Early-onset myopathy with fatal cardiomyopathy; Hypertrophic cardiomyopathy 9. Last evaluated: 2018-10-31. Review status: criteria provided, single submitter. Criteria: ACMG Guidelines, 2015. Collection method: clinical testing. Allele origin: unknown.

Illumina Laboratory Services, Illumina
Classification: Uncertain significance for Autosomal recessive limb-girdle muscular dystrophy type 2J. Last evaluated: 2018-01-13. Review status: criteria provided, single submitter. Criteria: ICSL Variant Classification Criteria 13 December 2019. Collection method: clinical testing. Allele origin: germline.

Illumina Laboratory Services, Illumina
Classification: Uncertain significance for Dilated cardiomyopathy 1G. Last evaluated: 2018-01-13. Review status: criteria provided, single submitter. Criteria: ICSL Variant Classification Criteria 13 December 2019. Collection method: clinical testing. Allele origin: germline.

Illumina Laboratory Services, Illumina
Classification: Uncertain significance for Tibial muscular dystrophy. Last evaluated: 2018-01-13. Review status: criteria provided, single submitter. Criteria: ICSL Variant Classification Criteria 13 December 2019. Collection method: clinical testing. Allele origin: germline.

Illumina Laboratory Services, Illumina
Classification: Uncertain significance for Early-onset myopathy with fatal cardiomyopathy. Last evaluated: 2018-01-13. Review status: criteria provided, single submitter. Criteria: ICSL Variant Classification Criteria 13 December 2019. Collection method: clinical testing. Allele origin: germline.

Illumina Laboratory Services, Illumina
Classification: Uncertain significance for Myopathy, myofibrillar, 9, with early respiratory failure. Last evaluated: 2018-01-13. Review status: criteria provided, single submitter. Criteria: ICSL Variant Classification Criteria 13 December 2019. Collection method: clinical testing. Allele origin: germline.

Eurofins Ntd Llc (ga)
Classification: Uncertain significance. Last evaluated: 2016-01-05. Review status: criteria provided, single submitter. Criteria: EGL Classification Definitions 2015. Collection method: clinical testing. Allele origin: germline. Observed: 1 variant allele, 1 heterozygote.